The following is an entry in ClinVar:

ClinVar aggregate classification (germline): Likely pathogenic (1 of 4 stars; one submission).

Conditions:
Cardiovascular phenotype. Identifiers: MedGen CN230736.

Submission:

Ambry Genetics
Classification: Likely pathogenic for Cardiovascular phenotype. Last evaluated: 2016-03-23. Review status: criteria provided, single submitter. Criteria: Ambry Variant Classification Scheme 2023. Collection method: clinical testing. Allele origin: germline.
Comment: The c.3491-2A>C intronic variant results from an A to C substitution two nucleotides upstream from coding exon 32 in the MYBPC3 gene. This variant was not reported in population based cohorts in the following databases: Database of Single Nucleotide Polymorphisms (dbSNP), NHLBI Exome Sequencing Project (ESP), and 1000 Genomes Project. In the ESP, this variant was not observed in 6133 samples (12266 alleles) with coverage at this position. This nucleotide position is highly conserved conserved in available vertebrate species. Using the ESEfinder splice site prediction tool, this alteration is predicted to abolish the native splice acceptor site; however, direct evidence is unavailable. Alterations that disrupt the canonical splice acceptor site are typically deleterious in nature (ACMG Recommendations for Standards for Interpretation and Reporting of Sequence Variations. Revision 2007. Genet Med. 2008;10:294). As such, the c.3491-2A>C variant is classified as likely pathogenic.

NM_000256.3(MYBPC3):c.3491-2A>C

Gene: MYBPC3 (myosin binding protein C3; minus strand). Cytogenetic location: 11p11.2.
Variant type: single nucleotide variant.
Coding change: c.3491-2A>C on transcript NM_000256.3 (MANE Select); the canonical splice acceptor site of the intron before coding-DNA position 3491, A replaced by C.
Molecular consequence: splice acceptor variant.
Genome position (GRCh38, 1-based): chr11:47,332,704, T>G on the plus strand (A>C on the coding strand, the complement: MYBPC3 is on the minus strand). VCF-style: chr11-47332704-T-G. GRCh37 (hg19) VCF-style: chr11-47354255-T-G.
Identifiers: ClinVar variation 520269 (VCV000520269.5), dbSNP rs397516022, ClinGen allele CA380312951.
Genomic context (GRCh38, chr11:47,332,704, plus strand): 5'-GAAGCTTGGGGCCTCGGAGAAGTCCAGGGCCTTATAGTTGGGTGGCTCATAGGTGATGCC[T>G]GTTGGTGACAGGACTTGGTACCGAGAGGGCCACACAAAGCTAGGCCCCTCTCCCTGTTCC-3'